The following is an entry in ClinVar:

NM_000799.4(EPO):c.483T>C (p.Thr161=)

Gene: EPO (erythropoietin; plus strand). Cytogenetic location: 7q22.1.
Variant type: single nucleotide variant.
Coding change: c.483T>C on transcript NM_000799.4 (MANE Select); coding-DNA position 483, T replaced by C.
Protein change: p.Thr161=; no amino-acid change (threonine 161 retained).
Molecular consequence: synonymous variant.
Genome position (GRCh38, 1-based): chr7:100,723,034, T>C. VCF-style: chr7-100723034-T-C. GRCh37 (hg19) VCF-style: chr7-100320657-T-C.
Identifiers: ClinVar variation 3388903 (VCV003388903.14).

ClinVar aggregate classification (germline): Likely benign (1 of 4 stars; one submission).

gnomAD v4.1: 19 of 1,614,138 alleles (0.0012%); highest among the groups gnomAD compares: Middle Eastern, 0.016%; 1 homozygote.

Submission:

CeGaT Center for Human Genetics Tuebingen
Classification: Likely benign. Last evaluated: 2024-10-01. Review status: criteria provided, single submitter. Criteria: CeGaT Center For Human Genetics Tuebingen Variant Classification Criteria Version 2. Collection method: clinical testing. Allele origin: germline. Affected: yes. Observed: 1 variant allele.
Comment: EPO: BP4, BP7